The following is an entry in ClinVar:

ClinVar aggregate classification (germline): Uncertain significance (1 of 4 stars; one submission).

Conditions:
Infantile-onset ascending hereditary spastic paralysis (IAHSP). Also called: Infantile-Onset Ascending Hereditary Spastic Paralysis (IAHSP); Autosomal Recessive Juvenile Amyotrophic Lateral Sclerosis. Identifiers: Orphanet 293168, MedGen C2931441, MONDO:0011797, OMIM 607225. Disease mechanism: loss of function.

Submission:

Labcorp Genetics (formerly Invitae), Labcorp
Classification: Uncertain significance for Infantile-onset ascending hereditary spastic paralysis. Last evaluated: 2021-09-17. Review status: criteria provided, single submitter. Criteria: Invitae Variant Classification Sherloc (09022015). Collection method: clinical testing. Allele origin: germline.
Comment: In summary, the available evidence is currently insufficient to determine the role of this variant in disease. Therefore, it has been classified as a Variant of Uncertain Significance. Variants that disrupt the consensus splice site are a relatively common cause of aberrant splicing (PMID: 17576681, 9536098). Algorithms developed to predict the effect of sequence changes on RNA splicing suggest that this variant is not likely to affect RNA splicing. This variant has not been reported in the literature in individuals affected with ALS2-related conditions. This variant is not present in population databases (ExAC no frequency). This sequence change falls in intron 24 of the ALS2 gene. It does not directly change the encoded amino acid sequence of the ALS2 protein. It affects a nucleotide within the consensus splice site of the intron.

Literature cited by the submitters: PubMed 17576681; PubMed 9536098.

NM_020919.4(ALS2):c.3836+3G>A

Gene: ALS2 (alsin Rho guanine nucleotide exchange factor ALS2; minus strand). Cytogenetic location: 2q33.1.
Variant type: single nucleotide variant.
Coding change: c.3836+3G>A on transcript NM_020919.4 (MANE Select); 3 bases into the intron after coding-DNA position 3836, G replaced by A.
Molecular consequence: intron variant.
Genome position (GRCh38, 1-based): chr2:201,718,074, C>T on the plus strand (G>A on the coding strand, the complement: ALS2 is on the minus strand). VCF-style: chr2-201718074-C-T. GRCh37 (hg19) VCF-style: chr2-202582797-C-T.
Identifiers: ClinVar variation 1480891 (VCV001480891.6), dbSNP rs2105987125, ClinGen allele CA2573134341.